The following is an entry in ClinVar:

ClinVar aggregate classification (germline): Uncertain significance. Review status: criteria provided, single submitter (1 of 4 stars). 2 submissions from 2 submitters: Uncertain significance (1). 1 of the submissions does not count toward it. Last evaluated 2026-07-06.

Conditions:
Microcephaly, normal intelligence and immunodeficiency (NBS). Also called: IMMUNODEFICIENCY, MICROCEPHALY, AND CHROMOSOMAL INSTABILITY; SEEMANOVA SYNDROME II; Nijmegen breakage syndrome; Microcephaly with normal intelligence immunodeficiency and lymphoreticular malignancies; Nonsyndromal microcephaly autosomal recessive with normal intelligence; Seemanova syndrome 2. Identifiers: Orphanet 647, MedGen C0398791, MONDO:0009623, OMIM 251260.
Hereditary cancer-predisposing syndrome. Also called: Neoplastic Syndromes, Hereditary; Tumor predisposition; Hereditary Cancer Syndrome; Hereditary neoplastic syndrome. Identifiers: Orphanet 140162, MedGen C0027672, MeSH D009386, MONDO:0015356.

Submissions (2):

Ambry Genetics
Classification: Uncertain significance for Hereditary cancer-predisposing syndrome. Last evaluated: 2026-07-06. Review status: criteria provided, single submitter. Criteria: Ambry Variant Classification Scheme 2023. Collection method: clinical testing. Allele origin: germline.
Comment: The p.A46S variant (also known as c.136G>T), located in coding exon 2 of the NBN gene, results from a G to T substitution at nucleotide position 136. The alanine at codon 46 is replaced by serine, an amino acid with similar properties. This amino acid position is conserved. In addition, the in silico prediction for this alteration is inconclusive. Based on the available evidence, the clinical significance of this variant remains unclear.

Natera, Inc.
Classification: Uncertain significance for Nijmegen breakage syndrome. Last evaluated: 2025-02-17. Review status: no assertion criteria provided. Collection method: clinical testing. Allele origin: germline. Not counted in ClinVar's aggregate classification.

NM_002485.5(NBN):c.136G>T (p.Ala46Ser)

Gene: NBN (nibrin; minus strand). Cytogenetic location: 8q21.3.
Variant type: single nucleotide variant.
Coding change: c.136G>T on transcript NM_002485.5 (MANE Select); coding-DNA position 136, G replaced by T.
Protein change: p.Ala46Ser; replaces alanine 46 with serine.
Molecular consequence: missense variant. On other transcripts: 5 prime UTR variant (1).
Genome position (GRCh38, 1-based): chr8:89,982,757, C>A on the plus strand (G>T on the coding strand, the complement: NBN is on the minus strand). VCF-style: chr8-89982757-C-A. GRCh37 (hg19) VCF-style: chr8-90994985-C-A.
Other names: c.-161G>T (NM_001024688.3); short protein forms A46S.
Identifiers: ClinVar variation 4058346 (VCV004058346.2).